The following is an entry in ClinVar:

NM_032409.3(PINK1):c.1631_1632delinsCT (p.Leu544Pro)

Genes: PINK1 (PTEN induced kinase 1; plus strand), PINK1-AS (PINK1 antisense RNA; minus strand). Cytogenetic location: 1p36.12.
Variant type: Indel.
Coding change: c.1631_1632delinsCT on transcript NM_032409.3 (MANE Select); coding-DNA positions 1631 to 1632, TC replaced by CT.
Protein change: p.Leu544Pro; replaces leucine 544 with proline.
Molecular consequence: missense variant. On other transcripts: non-coding transcript variant (1).
Genome position (GRCh38, 1-based): chr1:20,650,576-20,650,577, TC replaced by CT. VCF-style: chr1-20650576-TC-CT. GRCh37 (hg19) VCF-style: chr1-20977069-TC-CT.
Other names: short protein forms L544P.
Identifiers: ClinVar variation 1956749 (VCV001956749.5), dbSNP rs2545268025, ClinGen allele CA2580061440.

ClinVar aggregate classification (germline): Uncertain significance (1 of 4 stars; one submission).

Conditions:
Autosomal recessive early-onset Parkinson disease 6 (PARK6). Also called: PARKINSON DISEASE 6, MODIFIER OF; PARKINSON DISEASE 6, EARLY-ONSET; PINK1 Type of Young-Onset Parkinson Disease; PINK1-Related Parkinson Disease. Identifiers: Orphanet 2828, MedGen C1853833, MONDO:0011613, OMIM 605909.

Submission:

Labcorp Genetics (formerly Invitae), Labcorp
Classification: Uncertain significance for Autosomal recessive early-onset Parkinson disease 6. Last evaluated: 2022-04-24. Review status: criteria provided, single submitter. Criteria: Invitae Variant Classification Sherloc (09022015). Collection method: clinical testing. Allele origin: germline.
Comment: In summary, the available evidence is currently insufficient to determine the role of this variant in disease. Therefore, it has been classified as a Variant of Uncertain Significance. Algorithms developed to predict the effect of missense changes on protein structure and function are either unavailable or do not agree on the potential impact of this missense change (SIFT: "Not Available"; PolyPhen-2: "Possibly Damaging"; Align-GVGD: "Not Available"). This variant has not been reported in the literature in individuals affected with PINK1-related conditions. This variant is present in population databases (no rsID available, gnomAD 0.2%). This sequence change replaces leucine, which is neutral and non-polar, with proline, which is neutral and non-polar, at codon 544 of the PINK1 protein (p.Leu544Pro).